The following is an entry in ClinVar:

ClinVar aggregate classification (germline): Likely benign. Review status: criteria provided, multiple submitters, no conflicts (2 of 4 stars). 2 submissions from 2 submitters: Likely benign (2). Last evaluated 2026-09-01.

Allele frequency attached by ClinVar (database versions not stated): gnomAD exomes 0.00001; TOPMed 0.00003.
gnomAD v4.1: 18 of 1,604,816 alleles (0.0011%); highest among the groups gnomAD compares: Admixed American, 0.0054%; no homozygotes.

Submissions (2):

CeGaT Center for Human Genetics Tuebingen
Classification: Likely benign. Last evaluated: 2026-09-01. Review status: criteria provided, single submitter. Criteria: CeGaT Center For Human Genetics Tuebingen Variant Classification Criteria Version 2. Collection method: clinical testing. Allele origin: germline. Affected: yes. Observed: 1 variant allele.
Comment: TRIM8: BP4, BP7

Labcorp Genetics (formerly Invitae), Labcorp
Classification: Likely benign. Last evaluated: 2025-06-18. Review status: criteria provided, single submitter. Criteria: Invitae Variant Classification Sherloc (09022015). Collection method: clinical testing. Allele origin: germline.

NM_030912.3(TRIM8):c.816C>T (p.Leu272=)

Gene: TRIM8 (tripartite motif containing 8; plus strand). Cytogenetic location: 10q24.32.
Variant type: single nucleotide variant.
Coding change: c.816C>T on transcript NM_030912.3 (MANE Select); coding-DNA position 816, C replaced by T.
Protein change: p.Leu272=; no amino-acid change (leucine 272 retained).
Molecular consequence: synonymous variant. On other transcripts: non-coding transcript variant (1).
Genome position (GRCh38, 1-based): chr10:102,655,229, C>T. VCF-style: chr10-102655229-C-T. GRCh37 (hg19) VCF-style: chr10-104414986-C-T.
Other names: c.720C>T, p.Leu240= (NM_001345950.1).
Identifiers: ClinVar variation 1987546 (VCV001987546.5), dbSNP rs1001232015, ClinGen allele CA212266253.